The following is an entry in ClinVar:

NM_003738.5(PTCH2):c.3539_3542dup (p.Pro1182fs)

Gene: PTCH2 (patched 2; minus strand). Cytogenetic location: 1p34.1.
Variant type: Duplication.
Coding change: c.3539_3542dup on transcript NM_003738.5 (MANE Select); coding-DNA positions 3539 to 3542, 4 bases duplicated (AGCC; older notation c.3539_3542dupAGCC).
Protein change: p.Pro1182fs; shifts the reading frame from proline 1182.
Molecular consequence: frameshift variant. On other transcripts: intron variant (1).
Genome position (GRCh38, 1-based): chr1:44,822,485-44,822,488, GGCT duplicated on the plus strand (AGCC on the coding strand, the reverse complement: PTCH2 is on the minus strand). VCF-style (leftmost placement, unchanged base first): chr1-44822484-G-GGGCT. GRCh37 (hg19) VCF-style: chr1-45288156-G-GGGCT.
Other names: c.3425+114_3425+117dup (NM_001166292.2); short protein forms P1182fs.
Identifiers: ClinVar variation 1052426 (VCV001052426.9), dbSNP rs2148871039, ClinGen allele CA2499214747.

ClinVar aggregate classification (germline): Uncertain significance (1 of 4 stars; one submission).

Conditions:
Gorlin syndrome. Also called: Nevoid Basal Cell Carcinoma Syndrome; Basal cell nevus syndrome. Identifiers: Orphanet 377, MedGen C0004779, MONDO:0007187.

Submission:

Labcorp Genetics (formerly Invitae), Labcorp
Classification: Uncertain significance for Gorlin syndrome. Last evaluated: 2023-11-02. Review status: criteria provided, single submitter. Criteria: Invitae Variant Classification Sherloc (09022015). Collection method: clinical testing. Allele origin: germline.
Comment: This sequence change creates a premature translational stop signal (p.Pro1182Alafs*9) in the PTCH2 gene. While this is not anticipated to result in nonsense mediated decay, it is expected to disrupt the last 22 amino acid(s) of the PTCH2 protein. This variant is not present in population databases (gnomAD no frequency). This variant has not been reported in the literature in individuals affected with PTCH2-related conditions. ClinVar contains an entry for this variant (Variation ID: 1052426). Experimental studies and prediction algorithms are not available or were not evaluated, and the functional significance of this variant is currently unknown. In summary, the available evidence is currently insufficient to determine the role of this variant in disease. Therefore, it has been classified as a Variant of Uncertain Significance.